The following is an entry in ClinVar:

ClinVar aggregate classification (germline): Likely benign. Review status: criteria provided, multiple submitters, no conflicts (2 of 4 stars). 2 submissions from 2 submitters: Likely benign (2). Last evaluated 2025-03-01.

Conditions:
Hereditary cancer-predisposing syndrome. Also called: Neoplastic Syndromes, Hereditary; Tumor predisposition; Hereditary Cancer Syndrome; Hereditary neoplastic syndrome. Identifiers: Orphanet 140162, MedGen C0027672, MeSH D009386, MONDO:0015356.

gnomAD v4.1: 2 of 1,614,158 alleles (0.00012%); highest among the groups gnomAD compares: Non-Finnish European, 0.00017%; no homozygotes.

Submissions (2):

CeGaT Center for Human Genetics Tuebingen
Classification: Likely benign. Last evaluated: 2025-03-01. Review status: criteria provided, single submitter. Criteria: CeGaT Center For Human Genetics Tuebingen Variant Classification Criteria Version 2. Collection method: clinical testing. Allele origin: germline. Affected: yes. Observed: 1 variant allele.
Comment: SMARCB1: BP4, BP7

Ambry Genetics
Classification: Likely benign for Hereditary cancer-predisposing syndrome. Last evaluated: 2024-07-08. Review status: criteria provided, single submitter. Criteria: Ambry Variant Classification Scheme 2023. Collection method: clinical testing. Allele origin: germline.

NM_003073.5(SMARCB1):c.414C>T (p.Ser138=)

Gene: SMARCB1 (SWI/SNF related BAF chromatin remodeling complex subunit B1; plus strand). Cytogenetic location: 22q11.23.
Variant type: single nucleotide variant.
Coding change: c.414C>T on transcript NM_003073.5 (MANE Select); coding-DNA position 414, C replaced by T.
Protein change: p.Ser138=; no amino-acid change (serine 138 retained).
Molecular consequence: synonymous variant.
Genome position (GRCh38, 1-based): chr22:23,800,995, C>T. VCF-style: chr22-23800995-C-T. GRCh37 (hg19) VCF-style: chr22-24143182-C-T.
Other names: c.387C>T, p.Ser129= (NM_001007468.3, NM_001317946.2); c.414C>T, p.Ser138= (NM_001362877.2).
Identifiers: ClinVar variation 3446072 (VCV003446072.8).